The following is an entry in ClinVar:

NM_139343.3(BIN1):c.857+134G>T

Gene: BIN1 (bridging integrator 1; minus strand). Cytogenetic location: 2q14.3.
Variant type: single nucleotide variant.
Coding change: c.857+134G>T on transcript NM_139343.3 (MANE Select); 134 bases into the intron after coding-DNA position 857, G replaced by T.
Molecular consequence: intron variant.
Genome position (GRCh38, 1-based): chr2:127,061,981, C>A on the plus strand (G>T on the coding strand, the complement: BIN1 is on the minus strand). VCF-style: chr2-127061981-C-A. GRCh37 (hg19) VCF-style: chr2-127819557-C-A.
Other names: c.776+134G>T (NM_001320642.1); c.692+134G>T (NM_001320634.1); c.764+134G>T (NM_139351.3, NM_139350.3, NM_139349.3 and 6 more transcripts); c.857+134G>T (NM_001320633.2, NM_139345.3, NM_139344.3 and 1 more transcripts).
Identifiers: ClinVar variation 677464 (VCV000677464.1), dbSNP rs111897541, ClinGen allele CA11329028.

ClinVar aggregate classification (germline): Likely benign (1 of 4 stars; one submission).

Allele frequency attached by ClinVar (database versions not stated): 1000 Genomes Project 0.00859; 1000 Genomes Project 30x 0.00874; TOPMed 0.02079; gnomAD 0.02288 and 0.02342; gnomAD exomes 0.03276.
gnomAD v4.1: 29,998 of 970,824 alleles (3.1%); highest among the groups gnomAD compares: Non-Finnish European, 3.9%; 594 homozygotes.

Submission:

GeneDx
Classification: Likely benign. Last evaluated: 2018-06-14. Review status: criteria provided, single submitter. Criteria: GeneDx Variant Classification (06012015). Collection method: clinical testing. Allele origin: germline. Affected: yes.
Comment: This variant is considered likely benign or benign based on one or more of the following criteria: it is a conservative change, it occurs at a poorly conserved position in the protein, it is predicted to be benign by multiple in silico algorithms, and/or has population frequency not consistent with disease.